The following is an entry in ClinVar:

NM_139057.4(ADAMTS17):c.*439G>A

Gene: ADAMTS17 (ADAM metallopeptidase with thrombospondin type 1 motif 17; minus strand). Cytogenetic location: 15q26.3.
Variant type: single nucleotide variant.
Coding change: c.*439G>A on transcript NM_139057.4 (MANE Select); 439 bases downstream of the stop codon, G replaced by A.
Molecular consequence: 3 prime UTR variant.
Genome position (GRCh38, 1-based): chr15:99,973,963, C>T on the plus strand (G>A on the coding strand, the complement: ADAMTS17 is on the minus strand). VCF-style: chr15-99973963-C-T. GRCh37 (hg19) VCF-style: chr15-100514168-C-T.
Identifiers: ClinVar variation 315229 (VCV000315229.6), dbSNP rs140255903, ClinGen allele CA10646887.

ClinVar aggregate classification (germline): Benign. Review status: criteria provided, multiple submitters, no conflicts (2 of 4 stars). 2 submissions from 2 submitters: Benign (2). Last evaluated 2018-01-12.

Conditions:
Weill-Marchesani 4 syndrome, recessive. Also called: Weill-Marchesani syndrome 4. Identifiers: Orphanet 363992, MedGen C2750787, MONDO:0013176, OMIM 613195.

Allele frequency attached by ClinVar (database versions not stated): 1000 Genomes Project 0.01657; 1000 Genomes Project 30x 0.01843; gnomAD 0.02979 and 0.03019; TOPMed 0.03000.
gnomAD v4.1: 7,347 of 256,902 alleles (2.9%); highest among the groups gnomAD compares: Middle Eastern, 5.3%; 167 homozygotes.

Submissions (2):

Illumina Laboratory Services, Illumina
Classification: Benign for Weill-Marchesani 4 syndrome, recessive. Last evaluated: 2018-01-12. Review status: criteria provided, single submitter. Criteria: ICSL Variant Classification Criteria 13 December 2019. Collection method: clinical testing. Allele origin: germline.
Comment: This variant was observed in the ICSL laboratory as part of a predisposition screen in an ostensibly healthy population. It had not been previously curated by ICSL or reported in the Human Gene Mutation Database (HGMD: prior to June 1st, 2018), and was therefore a candidate for classification through an automated scoring system. Utilizing variant allele frequency, disease prevalence and penetrance estimates, and inheritance mode, an automated score was calculated to assess if this variant is too frequent to cause the disease. Based on the score and internal cut-off values, a variant classified as benign is not then subjected to further curation. The score for this variant resulted in a classification of benign for this disease.

Breakthrough Genomics
Classification: Benign. Review status: criteria provided, single submitter. Criteria: ACMG Guidelines, 2015. Collection method: not provided. Allele origin: germline. Inheritance: Autosomal recessive inheritance. Affected: yes.